The following is an entry in ClinVar:

NM_001103.4(ACTN2):c.1974+136C>T

Gene: ACTN2 (actinin alpha 2; plus strand). Cytogenetic location: 1q43.
Variant type: single nucleotide variant.
Coding change: c.1974+136C>T on transcript NM_001103.4 (MANE Select); 136 bases into the intron after coding-DNA position 1974, C replaced by T.
Molecular consequence: intron variant.
Genome position (GRCh38, 1-based): chr1:236,754,217, C>T. VCF-style: chr1-236754217-C-T. GRCh37 (hg19) VCF-style: chr1-236917517-C-T.
Other names: c.1350+136C>T (NM_001278344.2); c.1974+136C>T (NM_001278343.2).
Identifiers: ClinVar variation 675787 (VCV000675787.1), dbSNP rs149269755, ClinGen allele CA10958847.

ClinVar aggregate classification (germline): Likely benign (1 of 4 stars; one submission).

Allele frequency attached by ClinVar (database versions not stated): 1000 Genomes Project 30x 0.01062; 1000 Genomes Project 0.01158; gnomAD 0.01630 and 0.01633; TOPMed 0.01690; gnomAD exomes 0.01888.
gnomAD v4.1: 22,370 of 1,200,632 alleles (1.9%); highest among the groups gnomAD compares: Middle Eastern, 5.1%; 262 homozygotes.

Submission:

GeneDx
Classification: Likely benign. Last evaluated: 2018-06-14. Review status: criteria provided, single submitter. Criteria: GeneDx Variant Classification (06012015). Collection method: clinical testing. Allele origin: germline. Affected: yes.
Comment: This variant is considered likely benign or benign based on one or more of the following criteria: it is a conservative change, it occurs at a poorly conserved position in the protein, it is predicted to be benign by multiple in silico algorithms, and/or has population frequency not consistent with disease.